The following is an entry in ClinVar:

ClinVar aggregate classification (germline): Uncertain significance (1 of 4 stars; one submission).

Conditions:
PGAM2-related disorder. Also called: PGAM2-related condition.

gnomAD v4.1: 19 of 1,337,700 alleles (0.0014%); highest among the groups gnomAD compares: Non-Finnish European, 0.0017%; no homozygotes.

Submission:

PreventionGenetics, part of Exact Sciences
Classification: Uncertain significance for PGAM2-related condition. Last evaluated: 2025-11-18. Review status: criteria provided, single submitter. Criteria: ACMG Guidelines, 2015. Collection method: clinical testing. Allele origin: germline.
Comment: The PGAM2 c.584A>G variant is predicted to result in the amino acid substitution p.Lys195Arg. To our knowledge, this variant has not been reported in the literature. This variant is reported in 0.0040% of alleles in individuals of European (Non-Finnish) descent in gnomAD. At this time, the clinical significance of this variant is uncertain due to the absence of conclusive functional and genetic evidence.

NM_000290.4(PGAM2):c.584A>G (p.Lys195Arg)

Genes: DBNL (drebrin like; plus strand), PGAM2 (phosphoglycerate mutase 2; minus strand). Cytogenetic location: 7p13.
Variant type: single nucleotide variant.
Coding change: c.584A>G on transcript NM_000290.4 (MANE Select); coding-DNA position 584, A replaced by G.
Protein change: p.Lys195Arg; replaces lysine 195 with arginine.
Molecular consequence: missense variant. On other transcripts: 3 prime UTR variant (6).
Genome position (GRCh38, 1-based): chr7:44,064,843, T>C on the plus strand (A>G on the coding strand, the complement: PGAM2 is on the minus strand). VCF-style: chr7-44064843-T-C. GRCh37 (hg19) VCF-style: chr7-44104442-T-C.
Other names: c.*3927T>C (NM_001014436.3, NM_001122956.2, NM_001284313.2 and 3 more transcripts); short protein forms K195R.
Identifiers: ClinVar variation 4978164 (VCV004978164.1).